The following is an entry in ClinVar:

ClinVar aggregate classification (germline): Uncertain significance (1 of 4 stars; one submission).

Allele frequency attached by ClinVar (database versions not stated): gnomAD exomes 0.00001; ExAC 0.00002.
gnomAD v4.1: 8 of 1,613,108 alleles (0.0005%); highest among the groups gnomAD compares: South Asian, 0.0022%; no homozygotes.

Submission:

Labcorp Genetics (formerly Invitae), Labcorp
Classification: Uncertain significance. Last evaluated: 2023-10-13. Review status: criteria provided, single submitter. Criteria: Invitae Variant Classification Sherloc (09022015). Collection method: clinical testing. Allele origin: germline.
Comment: This sequence change replaces threonine, which is neutral and polar, with isoleucine, which is neutral and non-polar, at codon 903 of the CARMIL2 protein (p.Thr903Ile). This variant is present in population databases (rs776760075, gnomAD 0.003%). This variant has not been reported in the literature in individuals affected with CARMIL2-related conditions. ClinVar contains an entry for this variant (Variation ID: 1397174). Advanced modeling of protein sequence and biophysical properties (such as structural, functional, and spatial information, amino acid conservation, physicochemical variation, residue mobility, and thermodynamic stability) performed at Invitae indicates that this missense variant is not expected to disrupt CARMIL2 protein function. In summary, the available evidence is currently insufficient to determine the role of this variant in disease. Therefore, it has been classified as a Variant of Uncertain Significance.

NM_001013838.3(CARMIL2):c.2708C>T (p.Thr903Ile)

Gene: CARMIL2 (capping protein regulator and myosin 1 linker 2; plus strand). Cytogenetic location: 16q22.1.
Variant type: single nucleotide variant.
Coding change: c.2708C>T on transcript NM_001013838.3 (MANE Select); coding-DNA position 2708, C replaced by T.
Protein change: p.Thr903Ile; replaces threonine 903 with isoleucine.
Molecular consequence: missense variant.
Genome position (GRCh38, 1-based): chr16:67,652,230, C>T. VCF-style: chr16-67652230-C-T. GRCh37 (hg19) VCF-style: chr16-67686133-C-T.
Other names: c.2600C>T, p.Thr867Ile (NM_001317026.3); short protein forms T867I, T903I.
Identifiers: ClinVar variation 1397174 (VCV001397174.8), dbSNP rs776760075, ClinGen allele CA8113877.